The following is an entry in ClinVar:

NM_001364905.1(LRBA):c.1755G>C (p.Lys585Asn)

Gene: LRBA (LPS responsive beige-like anchor protein; minus strand). Cytogenetic location: 4q31.3.
Variant type: single nucleotide variant.
Coding change: c.1755G>C on transcript NM_001364905.1 (MANE Select); coding-DNA position 1755, G replaced by C.
Protein change: p.Lys585Asn; replaces lysine 585 with asparagine.
Molecular consequence: missense variant.
Genome position (GRCh38, 1-based): chr4:150,905,838, C>G on the plus strand (G>C on the coding strand, the complement: LRBA is on the minus strand). VCF-style: chr4-150905838-C-G. GRCh37 (hg19) VCF-style: chr4-151826990-C-G.
Other names: c.1755G>C, p.Lys585Asn (NM_001199282.3, NM_001367550.1, NM_006726.5); short protein forms K585N.
Identifiers: ClinVar variation 2421927 (VCV002421927.3), dbSNP rs1731270683, ClinGen allele CA358431324.

ClinVar aggregate classification (germline): Uncertain significance (1 of 4 stars; one submission).

Conditions:
Combined immunodeficiency due to LRBA deficiency. Also called: Common variable immunodeficiency 8, with autoimmunity. Identifiers: Orphanet 445018, MedGen C3553512, MONDO:0013863, OMIM 614700.

Allele frequency attached by ClinVar (database versions not stated): TOPMed below 0.00001.
gnomAD v4.1: 5 of 1,610,786 alleles (0.00031%); highest among the groups gnomAD compares: Non-Finnish European, 0.00042%; no homozygotes.

Submission:

Labcorp Genetics (formerly Invitae), Labcorp
Classification: Uncertain significance for Combined immunodeficiency due to LRBA deficiency. Last evaluated: 2023-07-07. Review status: criteria provided, single submitter. Criteria: Invitae Variant Classification Sherloc (09022015). Collection method: clinical testing. Allele origin: germline.
Comment: In summary, the available evidence is currently insufficient to determine the role of this variant in disease. Therefore, it has been classified as a Variant of Uncertain Significance. Variants that disrupt the consensus splice site are a relatively common cause of aberrant splicing (PMID: 17576681, 9536098). Algorithms developed to predict the effect of sequence changes on RNA splicing suggest that this variant may disrupt the consensus splice site. An algorithm developed to predict the effect of missense changes on protein structure and function (PolyPhen-2) suggests that this variant¬†is likely to be tolerated. ClinVar contains an entry for this variant (Variation ID: 2421927). This variant has not been reported in the literature in individuals affected with LRBA-related conditions. This variant is not present in population databases (gnomAD no frequency). This sequence change replaces lysine, which is basic and polar, with asparagine, which is neutral and polar, at codon 585 of the LRBA protein (p.Lys585Asn). This variant also falls at the last nucleotide of exon 13, which is part of the consensus splice site for this exon.

Literature cited by the submitters: PubMed 17576681; PubMed 9536098.